The following is an entry in ClinVar:

NM_000426.4(LAMA2):c.5563-2A>G

Gene: LAMA2 (laminin subunit alpha 2; plus strand). Cytogenetic location: 6q22.33.
Variant type: single nucleotide variant.
Coding change: c.5563-2A>G on transcript NM_000426.4 (MANE Select); the canonical splice acceptor site of the intron before coding-DNA position 5563, A replaced by G.
Molecular consequence: splice acceptor variant.
Genome position (GRCh38, 1-based): chr6:129,402,322, A>G. VCF-style: chr6-129402322-A-G. GRCh37 (hg19) VCF-style: chr6-129723467-A-G.
Other names: c.5563-2A>G (NM_001079823.2).
Identifiers: ClinVar variation 189233 (VCV000189233.4), dbSNP rs786204779, ClinGen allele CA274493.

ClinVar aggregate classification (germline): Likely pathogenic (1 of 4 stars; one submission).

Conditions:
Merosin deficient congenital muscular dystrophy (MDC1A). Also called: Congenital merosin-deficient muscular dystrophy 1A; Congenital Muscular Dystrophy Type 1A (MDC1A). Identifiers: Orphanet 258, MedGen C1263858, MONDO:0011925, OMIM 607855.

Submission:

Laboratory for Molecular Medicine, Mass General Brigham Personalized Medicine
Classification: Likely pathogenic for Muscular dystrophy, congenital merosin-deficient. Last evaluated: 2014-01-20. Review status: criteria provided, single submitter. Criteria: LMM Criteria. Collection method: clinical testing. Allele origin: germline. Inheritance: Autosomal recessive inheritance. Observed: 1 variant allele. Study: CSER-MedSeq.
Comment: The c.5563-2A>G variant in LAMA2 has not been reported in individuals with congenital muscular dystrophy type 1A or in large population studies. This variant occurs in the invariant region (+/- 1,2) of the splice consensus sequence and is predicted to cause altered splicing leading to an abnormal or absent protein. Several other splice variants in the gene have been shown to be pathogenic in LAMA2, causing autosomal recessive muscular dystrophy, merosin deficient. In summary, this variant is likely pathogenic, though additional studies are required to fully establish its clinical significance.